The following is an entry in ClinVar:

NM_000551.4(VHL):c.30G>C (p.Glu10Asp)

Gene: VHL (von Hippel-Lindau tumor suppressor; plus strand). Cytogenetic location: 3p25.3.
Variant type: single nucleotide variant.
Coding change: c.30G>C on transcript NM_000551.4 (MANE Select); coding-DNA position 30, G replaced by C.
Protein change: p.Glu10Asp; replaces glutamic acid 10 with aspartic acid.
Molecular consequence: missense variant.
Genome position (GRCh38, 1-based): chr3:10,141,877, G>C. VCF-style: chr3-10141877-G-C. GRCh37 (hg19) VCF-style: chr3-10183561-G-C.
Other names: c.30G>C, p.Glu10Asp (NM_001354723.2, NM_198156.3); short protein forms E10D.
Identifiers: ClinVar variation 663342 (VCV000663342.13), dbSNP rs963501454, ClinGen allele CA70042189.

ClinVar aggregate classification (germline): Uncertain significance. Review status: criteria provided, multiple submitters, no conflicts (2 of 4 stars). 2 submissions from 2 submitters: Uncertain significance (2). Last evaluated 2019-10-25.

Conditions:
Von Hippel-Lindau syndrome (VHLS). Also called: Von Hippel-Lindau; VHL syndrome; von Hippel–Lindau syndrome. Identifiers: Orphanet 892, MedGen C0019562, MONDO:0008667, OMIM 193300. Disease mechanism: loss of function.
Chuvash polycythemia. Also called: POLYCYTHEMIA, VHL-DEPENDENT. Identifiers: Orphanet 238557, MedGen C1837915, MONDO:0009892, OMIM 263400.
Hereditary cancer-predisposing syndrome. Also called: Neoplastic Syndromes, Hereditary; Hereditary neoplastic syndrome; Tumor predisposition; Hereditary Cancer Syndrome. Identifiers: Orphanet 140162, MedGen C0027672, MeSH D009386, MONDO:0015356.

Submissions (2):

Ambry Genetics
Classification: Uncertain significance for Hereditary cancer-predisposing syndrome. Last evaluated: 2019-10-25. Review status: criteria provided, single submitter. Criteria: Ambry Variant Classification Scheme 2023. Collection method: clinical testing. Allele origin: germline.
Comment: The p.E10D variant (also known as c.30G>C), located in coding exon 1 of the VHL gene, results from a G to C substitution at nucleotide position 30. The glutamic acid at codon 10 is replaced by aspartic acid, an amino acid with highly similar properties. This amino acid position is well conserved on limited sequence alignment. In addition, this alteration is predicted to be tolerated by in silico analysis. Since supporting evidence is limited at this time, the clinical significance of this alteration remains unclear.

Labcorp Genetics (formerly Invitae), Labcorp
Classification: Uncertain significance for Von Hippel-Lindau syndrome; Chuvash polycythemia. Last evaluated: 2018-10-24. Review status: criteria provided, single submitter. Criteria: Invitae Variant Classification Sherloc (09022015). Collection method: clinical testing. Allele origin: germline.
Comment: In summary, the available evidence is currently insufficient to determine the role of this variant in disease. Therefore, it has been classified as a Variant of Uncertain Significance. Algorithms developed to predict the effect of missense changes on protein structure and function are either unavailable or do not agree on the potential impact of this missense change (SIFT: "Deleterious"; PolyPhen-2: "Benign"; Align-GVGD: "Class C0"). This variant has not been reported in the literature in individuals with VHL-related disease. The frequency data for this variant in the population databases is considered unreliable, as metrics indicate insufficient coverage at this position in the ExAC database. This sequence change replaces glutamic acid with aspartic acid at codon 10 of the VHL protein (p.Glu10Asp). The glutamic acid residue is moderately conserved and there is a small physicochemical difference between glutamic acid and aspartic acid.